The following is an entry in ClinVar:

NM_020632.3(ATP6V0A4):c.2011-2A>T

Gene: ATP6V0A4 (ATPase H+ transporting V0 subunit a4; minus strand). Cytogenetic location: 7q34.
Variant type: single nucleotide variant.
Coding change: c.2011-2A>T on transcript NM_020632.3 (MANE Select); the canonical splice acceptor site of the intron before coding-DNA position 2011, A replaced by T.
Molecular consequence: splice acceptor variant.
Genome position (GRCh38, 1-based): chr7:138,722,027, T>A on the plus strand (A>T on the coding strand, the complement: ATP6V0A4 is on the minus strand). VCF-style: chr7-138722027-T-A. GRCh37 (hg19) VCF-style: chr7-138406772-T-A.
Other names: c.2011-2A>T (NM_130840.3, NM_130841.3).
Identifiers: ClinVar variation 3063860 (VCV003063860.1), dbSNP rs1209458962, ClinGen allele CA369377396.

ClinVar aggregate classification (germline): Likely pathogenic (1 of 4 stars; one submission).

Conditions:
Autosomal recessive distal renal tubular acidosis. Identifiers: Orphanet 402041, MedGen C1864498, MONDO:0018440.

gnomAD v4.1: 1 of 1,614,068 alleles (0.000062%); highest among the groups gnomAD compares: Admixed American, 0.0017%; no homozygotes.

Submission:

Women's Health and Genetics/Laboratory Corporation of America, LabCorp
Classification: Likely pathogenic for Autosomal recessive distal renal tubular acidosis. Last evaluated: 2024-01-11. Review status: criteria provided, single submitter. Criteria: LabCorp Variant Classification Summary - May 2015. Collection method: clinical testing. Allele origin: germline.
Comment: Variant summary: ATP6V0A4 c.2011-2A>T is located in a canonical splice-site and is predicted to affect mRNA splicing resulting in a significantly altered protein due to either exon skipping, shortening, or inclusion of intronic material. Several computational tools predict a significant impact on normal splicing: Four predict the variant abolishes the 3' canonical acceptor site. Four predict the variant creates a 3' cryptic acceptor site. However, these predictions have yet to be confirmed by functional studies. The variant allele was found at a frequency of 4e-06 in 251402 control chromosomes. To our knowledge, no occurrence of c.2011-2A>T in individuals affected with Renal Tubular Acidosis, Distal, Autosomal Recessive and no experimental evidence demonstrating its impact on protein function have been reported. No submitters have cited clinical-significance assessments for this variant to ClinVar. Based on the evidence outlined above, the variant was classified as likely pathogenic.